The following is an entry in ClinVar:

NM_004415.4(DSP):c.895A>G (p.Ser299Gly)

Gene: DSP (desmoplakin; plus strand). Cytogenetic location: 6p24.3.
Variant type: single nucleotide variant.
Coding change: c.895A>G on transcript NM_004415.4 (MANE Select); coding-DNA position 895, A replaced by G.
Protein change: p.Ser299Gly; replaces serine 299 with glycine.
Molecular consequence: missense variant.
Genome position (GRCh38, 1-based): chr6:7,565,476, A>G. VCF-style: chr6-7565476-A-G. GRCh37 (hg19) VCF-style: chr6-7565709-A-G.
Other names: c.895A>G, p.Ser299Gly (NM_001008844.3, NM_001319034.2); short protein forms S299G.
Identifiers: ClinVar variation 228652 (VCV000228652.4), dbSNP rs876657801, ClinGen allele CA10576693.
Genomic context (GRCh38, chr6:7,565,476, plus strand): 5'-ACGTCCAGGGAGATCATGTGGATCAATGACTGCGAGGAGGAGGAGCTGCTGTACGACTGG[A>G]GCGACAAGAACACCAACATCGCTCAGAAACAGGAGGCCTTCTCCGTAAGTTCACCCCACG-3'
Protein context (NP_004406.2, residues 289-309): CEEEELLYDW[Ser299Gly]DKNTNIAQKQ

ClinVar aggregate classification (germline): Uncertain significance (1 of 4 stars; one submission).

Submission:

Laboratory for Molecular Medicine, Mass General Brigham Personalized Medicine
Classification: Uncertain significance. Last evaluated: 2016-01-28. Review status: criteria provided, single submitter. Criteria: LMM Criteria. Collection method: clinical testing. Allele origin: germline. Observed: 1 variant allele.
Comment: The p.Ser299Gly variant in DSP has not been previously reported in individuals w ith cardiomyopathy or in large population studies. Computational prediction tool s and conservation analysis do not provide strong support for or against an impa ct to the protein. Another disease causing variant at the same position (Arg488C ys) has been reported in individuals with ARVC (Rampazzo 2002, Bauce 2005 and 20 01, Asimaki 2009, Rigato 2013), suggesting that changes at this position are not tolerated. In summary, the clinical significance of the p.Ser299Gly variant is uncertain.

Literature cited by the submitters: PubMed 24070718; PubMed 15941723; PubMed 12373648; PubMed 19279339; PubMed 21723241.